The following is an entry in ClinVar:

NM_024312.5(GNPTAB):c.1104A>T (p.Val368=)

Gene: GNPTAB (N-acetylglucosamine-1-phosphate transferase subunits alpha and beta; minus strand). Cytogenetic location: 12q23.2.
Variant type: single nucleotide variant.
Coding change: c.1104A>T on transcript NM_024312.5 (MANE Select); coding-DNA position 1104, A replaced by T.
Protein change: p.Val368=; no amino-acid change (valine 368 retained).
Molecular consequence: synonymous variant.
Genome position (GRCh38, 1-based): chr12:101,770,415, T>A on the plus strand (A>T on the coding strand, the complement: GNPTAB is on the minus strand). VCF-style: chr12-101770415-T-A. GRCh37 (hg19) VCF-style: chr12-102164193-T-A.
Other names: c.1104A>T (NM_024312.4).
Identifiers: ClinVar variation 1122668 (VCV001122668.11), dbSNP rs565900629, ClinGen allele CA6746718.

ClinVar aggregate classification (germline): Likely benign. Review status: criteria provided, single submitter (1 of 4 stars). 2 submissions from 2 submitters: Likely benign (1). 1 of the submissions does not count toward it. Last evaluated 2024-03-26.

Conditions:
Mucolipidosis type II. Also called: ML II ALPHA/BETA; Mucolipidosis 2; ML 2; Inclusion cell disease; Leroy Disease; N-acetylglucosamine 1phosphotransferase deficiency. Identifiers: Orphanet 576, MedGen C2673377, MONDO:0009650, OMIM 252500.
Pseudo-Hurler polydystrophy. Also called: MUCOLIPIDOSIS IIIA; ML III; ML III ALPHA/BETA; Type III Mucolipidosis; ML IIIA; Mucolipidosis III Alpha/Beta. Identifiers: Orphanet 423461, Orphanet 577, MedGen C0033788, MONDO:0018931, OMIM 252600.
GNPTAB-Related Disorders. Also called: GNPTAB-related disorder; GNPTAB-related condition. Identifiers: MedGen CN381523.

Allele frequency attached by ClinVar (database versions not stated): gnomAD 0.00003; ExAC 0.00010; 1000 Genomes Project 30x 0.00016; 1000 Genomes Project 0.00020.
gnomAD v4.1: 86 of 1,611,098 alleles (0.0053%); highest among the groups gnomAD compares: South Asian, 0.089%; no homozygotes.

Submissions (2):

Labcorp Genetics (formerly Invitae), Labcorp
Classification: Likely benign for Pseudo-Hurler polydystrophy; Mucolipidosis type II. Last evaluated: 2024-03-26. Review status: criteria provided, single submitter. Criteria: Invitae Variant Classification Sherloc (09022015). Collection method: clinical testing. Allele origin: germline.

PreventionGenetics, part of Exact Sciences
Classification: Likely benign for GNPTAB-related condition. Last evaluated: 2023-07-06. Review status: no assertion criteria provided. Collection method: clinical testing. Allele origin: germline. Not counted in ClinVar's aggregate classification.
Comment: This variant is classified as likely benign based on ACMG/AMP sequence variant interpretation guidelines (Richards et al. 2015 PMID: 25741868, with internal and published modifications).